The following is an entry in ClinVar:

ClinVar aggregate classification (germline): Uncertain significance. Review status: criteria provided, multiple submitters, no conflicts (2 of 4 stars). 2 submissions from 2 submitters: Uncertain significance (2). Last evaluated 2025-06-18.

Conditions:
Aculeiform cataract (CTRCT4). Also called: Fasciculiform cataract; Frosted cataract; Needle-shaped cataract. Identifiers: MedGen C1861832, HP:0010926.
Inborn genetic diseases. Identifiers: MedGen C0950123, MeSH D030342.

Allele frequency attached by ClinVar (database versions not stated): ExAC 0.00004; gnomAD 0.00006; TOPMed 0.00006; ESP Exome Variant Server 0.00015.

Submissions (2):

Ambry Genetics
Classification: Uncertain significance for Inborn genetic diseases. Last evaluated: 2025-06-18. Review status: criteria provided, single submitter. Criteria: Ambry Variant Classification Scheme 2023. Collection method: clinical testing. Allele origin: germline.

Labcorp Genetics (formerly Invitae), Labcorp
Classification: Uncertain significance for Aculeiform cataract. Last evaluated: 2024-01-18. Review status: criteria provided, single submitter. Criteria: Invitae Variant Classification Sherloc (09022015). Collection method: clinical testing. Allele origin: germline.
Comment: This sequence change replaces arginine, which is basic and polar, with glutamine, which is neutral and polar, at codon 140 of the CRYGD protein (p.Arg140Gln). This variant is present in population databases (rs144372987, gnomAD 0.05%), and has an allele count higher than expected for a pathogenic variant. This variant has not been reported in the literature in individuals affected with CRYGD-related conditions. Algorithms developed to predict the effect of missense changes on protein structure and function output the following: SIFT: "Not Available"; PolyPhen-2: "Benign"; Align-GVGD: "Not Available". The glutamine amino acid residue is found in multiple mammalian species, which suggests that this missense change does not adversely affect protein function. In summary, the available evidence is currently insufficient to determine the role of this variant in disease. Therefore, it has been classified as a Variant of Uncertain Significance.

NM_006891.4(CRYGD):c.419G>A (p.Arg140Gln)

Genes: CRYGD (crystallin gamma D; minus strand), LOC100507443 (uncharacterized LOC100507443; plus strand). Cytogenetic location: 2q33.3.
Variant type: single nucleotide variant.
Coding change: c.419G>A on transcript NM_006891.4 (MANE Select); coding-DNA position 419, G replaced by A.
Protein change: p.Arg140Gln; replaces arginine 140 with glutamine.
Molecular consequence: missense variant.
Genome position (GRCh38, 1-based): chr2:208,121,779, C>T on the plus strand (G>A on the coding strand, the complement: CRYGD is on the minus strand). VCF-style: chr2-208121779-C-T. GRCh37 (hg19) VCF-style: chr2-208986503-C-T.
Other names: c.419G>A (NM_006891.3); short protein forms R140Q.
Identifiers: ClinVar variation 3008284 (VCV003008284.4), dbSNP rs144372987, ClinGen allele CA2077637.
Genomic context (GRCh38, chr2:208,121,779, plus strand): 5'-GTGGCCCCCCAGTCCTGGTAGCGCCTATAGTCCCCTGGCATCAGCAGGTACTGCCGTCCT[C>T]GGTAGTTGGACAGCTCGTAGAGGACCCAGGAGCCCTCCAGCACGTTGAGGGAGTGGATTT-3'
Protein context (NP_008822.2, residues 130-150): SWVLYELSNY[Arg140Gln]GRQYLLMPGD